The following is an entry in ClinVar:

NM_007194.4(CHEK2):c.593-9C>G

Gene: CHEK2 (checkpoint kinase 2; minus strand). Cytogenetic location: 22q12.1.
Variant type: single nucleotide variant.
Coding change: c.593-9C>G on transcript NM_007194.4 (MANE Select); 9 bases into the intron before coding-DNA position 593, C replaced by G.
Molecular consequence: intron variant.
Genome position (GRCh38, 1-based): chr22:28,719,494, G>C on the plus strand (C>G on the coding strand, the complement: CHEK2 is on the minus strand). VCF-style: chr22-28719494-G-C. GRCh37 (hg19) VCF-style: chr22-29115482-G-C.
Other names: c.-71-9C>G (NM_001437942.1, NM_001257387.3); c.482+5392C>G (NM_001349956.3); c.593-9C>G (NM_145862.3); c.686-9C>G (NM_001438295.1, NM_001438293.1); c.722-9C>G (NM_001438294.1, NM_001005735.3).
Identifiers: ClinVar variation 388238 (VCV000388238.10), dbSNP rs1057517597, ClinGen allele CA16608150.

ClinVar aggregate classification (germline): Likely benign. Review status: criteria provided, multiple submitters, no conflicts (2 of 4 stars). 2 submissions from 2 submitters: Likely benign (2). Last evaluated 2021-06-13.

Conditions:
Familial cancer of breast. Also called: Hereditary breast cancer; hereditary breast carcinoma; BREAST CANCER, FAMILIAL. Identifiers: Orphanet 227535, MedGen C0346153, MONDO:0016419, OMIM 114480. Disease mechanism: loss of function.

gnomAD v4.1: 1 of 1,491,956 alleles (0.000067%); highest among the groups gnomAD compares: Non-Finnish European, 0.000093%; no homozygotes.

Submissions (2):

Labcorp Genetics (formerly Invitae), Labcorp
Classification: Likely benign for Familial cancer of breast. Last evaluated: 2021-06-13. Review status: criteria provided, single submitter. Criteria: Invitae Variant Classification Sherloc (09022015). Collection method: clinical testing. Allele origin: germline.

GeneDx
Classification: Likely benign. Last evaluated: 2016-07-29. Review status: criteria provided, single submitter. Criteria: GeneDx Variant Classification (06012015). Collection method: clinical testing. Allele origin: germline. Affected: yes.
Comment: This variant is considered likely benign or benign based on one or more of the following criteria: it is a conservative change, it occurs at a poorly conserved position in the protein, it is predicted to be benign by multiple in silico algorithms, and/or has population frequency not consistent with disease.